The following is an entry in ClinVar:

ClinVar aggregate classification (germline): Conflicting classifications of pathogenicity. Review status: criteria provided, conflicting classifications (1 of 4 stars). 2 submissions from 2 submitters: Uncertain significance (1); Likely benign (1). Last evaluated 2026-06-01.

gnomAD v4.1: 19 of 1,536,174 alleles (0.0012%); highest among the groups gnomAD compares: Admixed American, 0.002%; no homozygotes.

Submissions (2):

CeGaT Center for Human Genetics Tuebingen
Classification: Likely benign. Last evaluated: 2026-06-01. Review status: criteria provided, single submitter. Criteria: CeGaT Center For Human Genetics Tuebingen Variant Classification Criteria Version 2. Collection method: clinical testing. Allele origin: germline. Affected: yes. Observed: 1 variant allele.
Comment: ZFHX2: BS2

Ambry Genetics
Classification: Uncertain significance. Last evaluated: 2024-08-07. Review status: criteria provided, single submitter. Criteria: Ambry Variant Classification Scheme 2023. Collection method: clinical testing. Allele origin: germline.

NM_033400.3(ZFHX2):c.3502C>T (p.Arg1168Cys)

Genes: THTPA (thiamine triphosphatase; plus strand), ZFHX2 (zinc finger homeobox 2; minus strand). Cytogenetic location: 14q11.2.
Variant type: single nucleotide variant.
Coding change: c.3502C>T on transcript NM_033400.3 (MANE Select); coding-DNA position 3502, C replaced by T.
Protein change: p.Arg1168Cys; replaces arginine 1168 with cysteine.
Molecular consequence: missense variant.
Genome position (GRCh38, 1-based): chr14:23,526,440, G>A on the plus strand (C>T on the coding strand, the complement: ZFHX2 is on the minus strand). VCF-style: chr14-23526440-G-A. GRCh37 (hg19) VCF-style: chr14-23995649-G-A.
Other names: short protein forms R1168C.
Identifiers: ClinVar variation 3473102 (VCV003473102.2).
Genomic context (GRCh38, chr14:23,526,440, plus strand): 5'-CAGGGTCGAGAAACTTGTCCAGGGCAAAGTTGGTGGTTTTCCGATAGGTCAGAGGGTGGC[G>A]AGAGTCAGCTGGAGCTGGCTCTGCAGAGCGGAGCTCCCCAGTGGTCCCCTCTTCCTCCTC-3'
Protein context (NP_207646.2, residues 1158-1178): RSAEPAPADS[Arg1168Cys]HPLTYRKTTN